The following is an entry in ClinVar:

ClinVar aggregate classification (germline): Pathogenic (1 of 4 stars; one submission).

Conditions:
Joubert syndrome. Also called: CEREBELLOPARENCHYMAL DISORDER IV; JOUBERT-BOLTSHAUSER SYNDROME; Familial aplasia of the vermis. Identifiers: Orphanet 475, MedGen C5979921, MONDO:0018772.

Submission:

Labcorp Genetics (formerly Invitae), Labcorp
Classification: Pathogenic for Joubert syndrome. Last evaluated: 2024-02-01. Review status: criteria provided, single submitter. Criteria: Invitae Variant Classification Sherloc (09022015). Collection method: clinical testing. Allele origin: germline.
Comment: This sequence change creates a premature translational stop signal (p.Val129Glyfs*19) in the AHI1 gene. It is expected to result in an absent or disrupted protein product. Loss-of-function variants in AHI1 are known to be pathogenic (PMID: 15322546, 16453322, 28442542, 29186038). This variant is not present in population databases (gnomAD no frequency). This variant has not been reported in the literature in individuals affected with AHI1-related conditions. For these reasons, this variant has been classified as Pathogenic.

Literature cited by the submitters: PubMed 15322546; PubMed 16453322; PubMed 28442542; PubMed 29186038.

NM_001134831.2(AHI1):c.383dup (p.Val129fs)

Gene: AHI1 (Abelson helper integration site 1; minus strand). Cytogenetic location: 6q23.3.
Variant type: Duplication.
Coding change: c.383dup on transcript NM_001134831.2 (MANE Select); coding-DNA position 383, one base duplicated (A; older notation c.383dupA).
Protein change: p.Val129fs; shifts the reading frame from valine 129.
Molecular consequence: frameshift variant.
Genome position (GRCh38, 1-based): chr6:135,466,180, T duplicated on the plus strand (A on the coding strand, the reverse complement: AHI1 is on the minus strand); the first of 5 consecutive T bases (chr6:135,466,180-135,466,184); duplicating any one gives the same sequence. VCF-style (leftmost placement, unchanged base first): chr6-135466179-C-CT. GRCh37 (hg19) VCF-style: chr6-135787317-C-CT.
Other names: c.383dup, p.Val129fs (NM_001134830.2, NM_001134832.2, NM_001350503.2 and 2 more transcripts); short protein forms V129fs.
Identifiers: ClinVar variation 3637981 (VCV003637981.2).